The following is an entry in ClinVar:

NM_000214.3(JAG1):c.693_694del (p.Arg231fs)

Gene: JAG1 (jagged canonical Notch ligand 1; minus strand). Cytogenetic location: 20p12.2.
Variant type: Microsatellite.
Coding change: c.693_694del on transcript NM_000214.3 (MANE Select); coding-DNA positions 693 to 694, 2 bases deleted (AG; older notation c.693_694delAG).
Protein change: p.Arg231fs; shifts the reading frame from arginine 231.
Molecular consequence: frameshift variant.
Genome position (GRCh38, 1-based): chr20:10,658,468-10,658,469, CT deleted on the plus strand (AG on the coding strand, the reverse complement: JAG1 is on the minus strand); deleting any 2 consecutive bases within chr20:10,658,468-10,658,471 gives the same sequence; the c. name uses the placement nearest the transcript's 3' end. VCF-style (leftmost placement, unchanged base first): chr20-10658467-CCT-C. GRCh37 (hg19) VCF-style: chr20-10639115-CCT-C.
Other names: c.693_694delAG (NM_000214.2); short protein forms R231fs.
Identifiers: ClinVar variation 7617 (VCV000007617.5), dbSNP rs876660978, ClinGen allele CA10577622.

ClinVar aggregate classification (germline): Pathogenic. Review status: criteria provided, multiple submitters, no conflicts (2 of 4 stars). 3 submissions from 3 submitters: Pathogenic (2). 1 of the submissions does not count toward it. Last evaluated 2023-06-23.

Conditions:
Alagille syndrome due to a JAG1 point mutation. Also called: HEPATIC DUCTULAR HYPOPLASIA, SYNDROMATIC; Alagille Syndrome 1; JAG1-Related Alagille Syndrome. Identifiers: Orphanet 261619, Orphanet 52, MedGen C1956125, MONDO:0016862, OMIM 118450.

Submissions (3):

Labcorp Genetics (formerly Invitae), Labcorp
Classification: Pathogenic for Alagille syndrome due to a JAG1 point mutation. Last evaluated: 2023-06-23. Review status: criteria provided, single submitter. Criteria: Invitae Variant Classification Sherloc (09022015). Collection method: clinical testing. Allele origin: germline.
Comment: For these reasons, this variant has been classified as Pathogenic. Algorithms developed to predict the effect of sequence changes on RNA splicing suggest that this variant may disrupt the consensus splice site. ClinVar contains an entry for this variant (Variation ID: 7617). This variant is also known as 1104delAG. This premature translational stop signal has been observed in individual(s) with Alagille syndrome (PMID: 9207788). This variant is not present in population databases (gnomAD no frequency). This sequence change creates a premature translational stop signal (p.Arg231Serfs*10) in the JAG1 gene. It is expected to result in an absent or disrupted protein product. Loss-of-function variants in JAG1 are known to be pathogenic (PMID: 11180599).

GeneDx
Classification: Pathogenic. Last evaluated: 2017-05-02. Review status: criteria provided, single submitter. Criteria: GeneDx Variant Classification (06012015). Collection method: clinical testing. Allele origin: germline. Affected: yes.
Comment: The c.693_694delAG pathogenic variant in the JAG1 gene has been reported previously in association with Alaglle syndrome (Li et al., 1997; Krantz et al., 1998). The deletion causes a frameshift starting with codon Arginine 231, changes this amino acid to a Serine residue and creates a premature Stop codon at position 10 of the new reading frame, denoted p.Arg231SerfsX10. This pathogenic variant is predicted to cause loss of normal protein function either through protein truncation or nonsense-mediated mRNA decay. c.693_694delAG was not observed in approximately 6,500 individuals of European and African American ancestry in the NHLBI Exome Sequencing Project, indicating it is not a common benign variant in these populations.

OMIM
Classification: Pathogenic for ALAGILLE SYNDROME 1. Last evaluated: 1997-07-01. Review status: no assertion criteria provided. Collection method: literature only. Allele origin: germline. Not counted in ClinVar's aggregate classification.

Literature cited by the submitters: PubMed 9207788 (cited by Labcorp Genetics (formerly Invitae), Labcorp and OMIM); PubMed 11180599 (cited by Labcorp Genetics (formerly Invitae), Labcorp).